The following is an entry in ClinVar:

NM_001113378.2(FANCI):c.2854A>G (p.Thr952Ala)

Gene: FANCI (FA complementation group I; plus strand). Cytogenetic location: 15q26.1.
Variant type: single nucleotide variant.
Coding change: c.2854A>G on transcript NM_001113378.2 (MANE Select); coding-DNA position 2854, A replaced by G.
Protein change: p.Thr952Ala; replaces threonine 952 with alanine.
Molecular consequence: missense variant.
Genome position (GRCh38, 1-based): chr15:89,300,350, A>G. VCF-style: chr15-89300350-A-G. GRCh37 (hg19) VCF-style: chr15-89843581-A-G.
Other names: c.2575A>G, p.Thr859Ala (NM_001376910.1); c.2854A>G, p.Thr952Ala (NM_001376911.1); c.2674A>G, p.Thr892Ala (NM_018193.3); short protein forms T892A, T859A, T952A.
Identifiers: ClinVar variation 2719643 (VCV002719643.3), dbSNP rs2507879716, ClinGen allele CA393737469.

ClinVar aggregate classification (germline): Uncertain significance (1 of 4 stars; one submission).

Conditions:
Fanconi anemia (FA). Also called: Fanconi's anemia. Identifiers: Orphanet 84, MedGen C0015625, MeSH D005199, MONDO:0019391.

gnomAD v4.1: 2 of 1,614,054 alleles (0.00012%); highest among the groups gnomAD compares: Non-Finnish European, 0.00017%; no homozygotes.

Submission:

Labcorp Genetics (formerly Invitae), Labcorp
Classification: Uncertain significance for Fanconi anemia. Last evaluated: 2023-12-10. Review status: criteria provided, single submitter. Criteria: Invitae Variant Classification Sherloc (09022015). Collection method: clinical testing. Allele origin: germline.
Comment: This sequence change replaces threonine, which is neutral and polar, with alanine, which is neutral and non-polar, at codon 952 of the FANCI protein (p.Thr952Ala). This variant is not present in population databases (gnomAD no frequency). This variant has not been reported in the literature in individuals affected with FANCI-related conditions. Advanced modeling of protein sequence and biophysical properties (such as structural, functional, and spatial information, amino acid conservation, physicochemical variation, residue mobility, and thermodynamic stability) performed at Invitae indicates that this missense variant is not expected to disrupt FANCI protein function with a negative predictive value of 80%. In summary, the available evidence is currently insufficient to determine the role of this variant in disease. Therefore, it has been classified as a Variant of Uncertain Significance.